The following is an entry in ClinVar:

ClinVar aggregate classification (germline): Likely benign. Review status: criteria provided, multiple submitters, no conflicts (2 of 4 stars). 2 submissions from 2 submitters: Likely benign (2). Last evaluated 2018-01-13.

Conditions:
Cataract 5 multiple types (CTRCT5). Also called: CATARACT, MARNER TYPE; CATARACT 5, LAMELLAR; Lamellar cataract. Identifiers: Orphanet 91492, MedGen C0266537, MONDO:0007290, OMIM 116800, HP:0007971.

Allele frequency attached by ClinVar (database versions not stated): ESP Exome Variant Server 0.00016; gnomAD exomes 0.00003 and 0.00007; ExAC 0.00004; gnomAD 0.00001; TOPMed 0.00004.

Submissions (2):

Illumina Laboratory Services, Illumina
Classification: Likely benign for Cataract 5 multiple types. Last evaluated: 2018-01-13. Review status: criteria provided, single submitter. Criteria: ICSL Variant Classification Criteria 13 December 2019. Collection method: clinical testing. Allele origin: germline.
Comment: This variant was observed in the ICSL laboratory as part of a predisposition screen in an ostensibly healthy population. It had not been previously curated by ICSL or reported in the Human Gene Mutation Database (HGMD: prior to June 1st, 2018), and was therefore a candidate for classification through an automated scoring system. Utilizing variant allele frequency, disease prevalence and penetrance estimates, and inheritance mode, an automated score was calculated to assess if this variant is too frequent to cause the disease. Based on the score and internal cut-off values, a variant classified as likely benign is not then subjected to further curation. The score for this variant resulted in a classification of likely benign for this disease.

Breakthrough Genomics
Classification: Likely benign. Review status: criteria provided, single submitter. Criteria: ACMG Guidelines, 2015. Collection method: not provided. Allele origin: germline. Inheritance: Autosomal dominant inheritance. Affected: yes.

NM_001374675.1(HSF4):c.1137G>A (p.Pro379=)

Gene: HSF4 (heat shock transcription factor 4; plus strand). Cytogenetic location: 16q22.1.
Variant type: single nucleotide variant.
Coding change: c.1137G>A on transcript NM_001374675.1 (MANE Select); coding-DNA position 1137, G replaced by A.
Protein change: p.Pro379=; no amino-acid change (proline 379 retained).
Molecular consequence: synonymous variant.
Genome position (GRCh38, 1-based): chr16:67,168,885, G>A. VCF-style: chr16-67168885-G-A. GRCh37 (hg19) VCF-style: chr16-67202788-G-A.
Other names: c.1137G>A, p.Pro379= (NM_001040667.3); c.1047G>A, p.Pro349= (NM_001374674.1, NM_001538.4).
Identifiers: ClinVar variation 320189 (VCV000320189.6), dbSNP rs369862977, ClinGen allele CA8102093.
Genomic context (GRCh38, chr16:67,168,885, plus strand): 5'-GCACAGGGGGCCTCTGGGCCTGGAAAGCGGGGACAGGAGCCCAGAGAGTCTGCTGCCTCC[G>A]ATGCTGCTTCAGCCCCCTCAAGAAAGTGTGGAACCTGCAGGGCCTCTAGATGTGAGTACC-3'
Protein context (NP_001361604.1, residues 369-389): GDRSPESLLP[Pro379=]MLLQPPQESV